The following is an entry in ClinVar:

NM_000384.3(APOB):c.1441G>T (p.Asp481Tyr)

Gene: APOB (apolipoprotein B; minus strand). Cytogenetic location: 2p24.1.
Variant type: single nucleotide variant.
Coding change: c.1441G>T on transcript NM_000384.3 (MANE Select); coding-DNA position 1441, G replaced by T.
Protein change: p.Asp481Tyr; replaces aspartic acid 481 with tyrosine.
Molecular consequence: missense variant.
Genome position (GRCh38, 1-based): chr2:21,029,927, C>A on the plus strand (G>T on the coding strand, the complement: APOB is on the minus strand). VCF-style: chr2-21029927-C-A. GRCh37 (hg19) VCF-style: chr2-21252799-C-A.
Other names: short protein forms D481Y.
Identifiers: ClinVar variation 1718764 (VCV001718764.6), dbSNP rs2465426327, ClinGen allele CA346015268.

ClinVar aggregate classification (germline): Uncertain significance (1 of 4 stars; one submission).

Conditions:
Familial hypobetalipoproteinemia 1. Also called: APOB-Related Familial Hypobetalipoproteinemia; Hypobetalipoproteinemia, normotriglyceridemic; Acanthocytosis with hypobetalipoproteinemia. Identifiers: MedGen C4551990, MONDO:0014252, OMIM 615558.
Hypercholesterolemia, autosomal dominant, type B (FHCL2). Also called: Hyperlipoproteinemia Type IIb; Familial hypercholesterolemia 2; Familial Hypercholesterolemia Type B; APOLIPOPROTEIN B-100, FAMILIAL DEFECTIVE; APOLIPOPROTEIN B-100, FAMILIAL LIGAND-DEFECTIVE; HYPERCHOLESTEROLEMIA, FAMILIAL, DUE TO LIGAND-DEFECTIVE APOLIPOPROTEIN B. Identifiers: MedGen C1704417, MONDO:0007751, OMIM 144010.

Submission:

Labcorp Genetics (formerly Invitae), Labcorp
Classification: Uncertain significance for Familial hypobetalipoproteinemia 1; Hypercholesterolemia, autosomal dominant, type B. Last evaluated: 2022-09-03. Review status: criteria provided, single submitter. Criteria: Invitae Variant Classification Sherloc (09022015). Collection method: clinical testing. Allele origin: germline.
Comment: In summary, the available evidence is currently insufficient to determine the role of this variant in disease. Therefore, it has been classified as a Variant of Uncertain Significance. Algorithms developed to predict the effect of sequence changes on RNA splicing suggest that this variant may create or strengthen a splice site. Algorithms developed to predict the effect of missense changes on protein structure and function are either unavailable or do not agree on the potential impact of this missense change (SIFT: "Deleterious"; PolyPhen-2: "Probably Damaging"; Align-GVGD: "Class C0"). This variant has not been reported in the literature in individuals affected with APOB-related conditions. This variant is not present in population databases (gnomAD no frequency). This sequence change replaces aspartic acid, which is acidic and polar, with tyrosine, which is neutral and polar, at codon 481 of the APOB protein (p.Asp481Tyr).